The following is an entry in ClinVar:

NM_000038.6(APC):c.7696A>C (p.Arg2566=)

Gene: APC (APC regulator of Wnt signaling pathway; plus strand). Cytogenetic location: 5q22.2.
Variant type: single nucleotide variant.
Coding change: c.7696A>C on transcript NM_000038.6 (MANE Select); coding-DNA position 7696, A replaced by C.
Protein change: p.Arg2566=; no amino-acid change (arginine 2566 retained).
Molecular consequence: synonymous variant.
Genome position (GRCh38, 1-based): chr5:112,843,290, A>C. VCF-style: chr5-112843290-A-C. GRCh37 (hg19) VCF-style: chr5-112178987-A-C.
Other names: c.7696A>C, p.Arg2566= (NM_001127510.3, NM_001354895.2); c.7642A>C, p.Arg2548= (NM_001127511.3); c.7750A>C, p.Arg2584= (NM_001354896.2); c.7726A>C, p.Arg2576= (NM_001354897.2); c.7621A>C, p.Arg2541= (NM_001354898.2); c.7612A>C, p.Arg2538= (NM_001354899.2); c.7573A>C, p.Arg2525= (NM_001354900.2); c.7519A>C, p.Arg2507= (NM_001354901.2); and 5 more.
Identifiers: ClinVar variation 416744 (VCV000416744.45), dbSNP rs1060504883, ClinGen allele CA16611743.
Genomic context (GRCh38, chr5:112,843,290, plus strand): 5'-ACCTGGAAACGTGAGCACAGCAAACATTCATCATCCCTTCCTCGAGTAAGCACTTGGAGA[A>C]GAACTGGAAGTTCATCTTCAATTCTTTCTGCTTCATCAGAATCCAGTGAAAAAGCAAAAA-3'
Protein context (NP_000029.2, residues 2556-2576): SSLPRVSTWR[Arg2566=]TGSSSSILSA

ClinVar aggregate classification (germline): Conflicting classifications of pathogenicity. Review status: criteria provided, conflicting classifications (1 of 4 stars). 8 submissions from 8 submitters: Uncertain significance (1); Benign (1); Likely benign (6). Last evaluated 2025-07-27.

Conditions:
Classic or attenuated familial adenomatous polyposis. Identifiers: MedGen CN372698, MONDO:0021057.
Hereditary cancer-predisposing syndrome. Also called: Tumor predisposition; Hereditary neoplastic syndrome; Hereditary Cancer Syndrome; Neoplastic Syndromes, Hereditary. Identifiers: Orphanet 140162, MedGen C0027672, MeSH D009386, MONDO:0015356.
Familial adenomatous polyposis 1 (FAP1). Also called: FAMILIAL ADENOMATOUS POLYPOSIS 1, ATTENUATED; POLYPOSIS, ADENOMATOUS INTESTINAL. Identifiers: MedGen C2713442, MONDO:0021056, OMIM 175100. Disease mechanism: loss of function.

gnomAD v4.1: 1 of 1,612,864 alleles (0.000062%); highest among the groups gnomAD compares: Non-Finnish European, 0.000085%; no homozygotes.

Submissions (8):

Labcorp Genetics (formerly Invitae), Labcorp
Classification: Likely benign for Familial adenomatous polyposis 1. Last evaluated: 2025-07-27. Review status: criteria provided, single submitter. Criteria: Invitae Variant Classification Sherloc (09022015). Collection method: clinical testing. Allele origin: germline.

All of Us Research Program, National Institutes of Health
Classification: Likely benign for Classic or attenuated familial adenomatous polyposis. Last evaluated: 2024-07-29. Review status: criteria provided, single submitter. Criteria: ACMG Guidelines, 2015. Collection method: clinical testing. Allele origin: germline. Inheritance: Autosomal dominant inheritance. Observed: 2 variant alleles, 2 heterozygotes.
Comment: This study involves interpretation of variants in research participants for the purpose of population health screening. Participant phenotype was not available at the time of variant classification. Additional details can be found in publication PMID: 35346344, PMCID: PMC8962531

Myriad Genetics, Inc.
Classification: Benign for Familial adenomatous polyposis 1. Last evaluated: 2024-04-10. Review status: criteria provided, single submitter. Criteria: Myriad Autosomal Dominant, Autosomal Recessive and X-Linked Classification Criteria (2023). Collection method: clinical testing. Allele origin: unknown.
Comment: This variant is considered benign. This variant is a silent/synonymous amino acid change and it is not expected to impact splicing.

CeGaT Center for Human Genetics Tuebingen
Classification: Uncertain significance. Last evaluated: 2022-04-01. Review status: criteria provided, single submitter. Criteria: CeGaT Center For Human Genetics Tuebingen Variant Classification Criteria Version 2. Collection method: clinical testing. Allele origin: germline. Affected: yes. Observed: 1 variant allele.
Comment: APC: PM2:Supporting, BP4

Ambry Genetics
Classification: Likely benign for Hereditary cancer-predisposing syndrome. Last evaluated: 2021-01-26. Review status: criteria provided, single submitter. Criteria: Ambry Variant Classification Scheme 2023. Collection method: clinical testing. Allele origin: germline.

Women's Health and Genetics/Laboratory Corporation of America, LabCorp
Classification: Likely benign. Last evaluated: 2019-08-20. Review status: criteria provided, single submitter. Criteria: LabCorp Variant Classification Summary - May 2015. Collection method: clinical testing. Allele origin: germline.

Color Diagnostics, LLC DBA Color Health
Classification: Likely benign for Hereditary cancer-predisposing syndrome. Last evaluated: 2018-10-24. Review status: criteria provided, single submitter. Criteria: ACMG Guidelines, 2015. Collection method: clinical testing. Allele origin: germline.

Blueprint Genetics
Classification: Likely benign. Last evaluated: 2018-09-27. Review status: criteria provided, single submitter. Criteria: ACMG Guidelines, 2015. Collection method: clinical testing. Allele origin: germline.